The following is an entry in ClinVar:

ClinVar aggregate classification (germline): Likely benign. Review status: criteria provided, multiple submitters, no conflicts (2 of 4 stars). 2 submissions from 2 submitters: Likely benign (2). Last evaluated 2026-09-08.

Conditions:
SLC27A5-related disorder. Also called: SLC27A5-related condition.

gnomAD v4.1: 35 of 1,600,248 alleles (0.0022%); highest among the groups gnomAD compares: Admixed American, 0.0052%; no homozygotes.

Submissions (2):

PreventionGenetics, part of Exact Sciences
Classification: Likely benign for SLC27A5-related condition. Last evaluated: 2026-09-08. Review status: criteria provided, single submitter. Criteria: ACMG Guidelines, 2015. Collection method: clinical testing. Allele origin: germline.
Comment: This variant is classified as likely benign based on ACMG/AMP sequence variant interpretation guidelines (Richards et al. 2015 PMID: 25741868, with internal and published modifications).

Labcorp Genetics (formerly Invitae), Labcorp
Classification: Likely benign. Last evaluated: 2023-02-28. Review status: criteria provided, single submitter. Criteria: Invitae Variant Classification Sherloc (09022015). Collection method: clinical testing. Allele origin: germline.

NM_012254.3(SLC27A5):c.513C>T (p.Ala171=)

Gene: SLC27A5 (solute carrier family 27 member 5; minus strand). Cytogenetic location: 19q13.43.
Variant type: single nucleotide variant.
Coding change: c.513C>T on transcript NM_012254.3 (MANE Select); coding-DNA position 513, C replaced by T.
Protein change: p.Ala171=; no amino-acid change (alanine 171 retained).
Molecular consequence: synonymous variant. On other transcripts: intron variant (1).
Genome position (GRCh38, 1-based): chr19:58,511,443, G>A on the plus strand (C>T on the coding strand, the complement: SLC27A5 is on the minus strand). VCF-style: chr19-58511443-G-A. GRCh37 (hg19) VCF-style: chr19-59022810-G-A.
Other names: c.513C>T (NM_012254.2); c.436+77C>T (NM_001321196.2).
Identifiers: ClinVar variation 2968972 (VCV002968972.4), dbSNP rs139127895, ClinGen allele CA9718270.